The following is an entry in ClinVar:

ClinVar aggregate classification (germline): Uncertain significance (1 of 4 stars; one submission).

Conditions:
Myofibrillar myopathy 5. Also called: FILAMINOPATHY, AUTOSOMAL DOMINANT; Filaminopathy (type). Identifiers: Orphanet 171445, MedGen C1836050, MONDO:0012289, OMIM 609524.
Distal myopathy with posterior leg and anterior hand involvement. Also called: WILLIAMS DISTAL MYOPATHY. Identifiers: Orphanet 63273, MedGen C3279722, MONDO:0013550, OMIM 614065.
Hypertrophic cardiomyopathy 26. Also called: Cardiomyopathy, familial hypertrophic, 26. Identifiers: Orphanet 75249, MedGen C4310749, MONDO:0014883, OMIM 617047.

Submission:

Labcorp Genetics (formerly Invitae), Labcorp
Classification: Uncertain significance for Distal myopathy with posterior leg and anterior hand involvement; Myofibrillar myopathy 5; Hypertrophic cardiomyopathy 26. Last evaluated: 2021-08-24. Review status: criteria provided, single submitter. Criteria: Invitae Variant Classification Sherloc (09022015). Collection method: clinical testing. Allele origin: germline.
Comment: This sequence change falls in intron 7 of the FLNC gene. It does not directly change the encoded amino acid sequence of the FLNC protein. It affects a nucleotide within the consensus splice site of the intron. This variant is not present in population databases (ExAC no frequency). This variant has not been reported in the literature in individuals affected with FLNC-related conditions. Variants that disrupt the consensus splice site are a relatively common cause of aberrant splicing (PMID: 17576681, 9536098). Algorithms developed to predict the effect of sequence changes on RNA splicing suggest that this variant is not likely to affect RNA splicing. In summary, the available evidence is currently insufficient to determine the role of this variant in disease. Therefore, it has been classified as a Variant of Uncertain Significance.

Literature cited by the submitters: PubMed 17576681; PubMed 9536098.

NM_001458.5(FLNC):c.1210+4G>A

Gene: FLNC (filamin C; plus strand). Cytogenetic location: 7q32.1.
Variant type: single nucleotide variant.
Coding change: c.1210+4G>A on transcript NM_001458.5 (MANE Select); 4 bases into the intron after coding-DNA position 1210, G replaced by A.
Molecular consequence: intron variant.
Genome position (GRCh38, 1-based): chr7:128,838,433, G>A. VCF-style: chr7-128838433-G-A. GRCh37 (hg19) VCF-style: chr7-128478487-G-A.
Other names: c.1210+4G>A (NM_001127487.2).
Identifiers: ClinVar variation 1423942 (VCV001423942.6), dbSNP rs2128934436, ClinGen allele CA2573141760.